The following is an entry in ClinVar:

ClinVar aggregate classification (germline): Uncertain significance. Review status: criteria provided, multiple submitters, no conflicts (2 of 4 stars). 3 submissions from 3 submitters: Uncertain significance (2). 1 of the submissions does not count toward it. Last evaluated 2023-02-26.

Conditions:
Microcephaly. Also called: Microcephaly (disease). Identifiers: MedGen C4551563, MONDO:0001149, HP:0000252.

Allele frequency attached by ClinVar (database versions not stated): gnomAD 0.00001 and 0.00002; TOPMed 0.00002; ESP Exome Variant Server 0.00008; ExAC 0.00012; 1000 Genomes Project 30x 0.00016; 1000 Genomes Project 0.00020.

Submissions (3):

GeneDx
Classification: Uncertain significance. Last evaluated: 2023-02-26. Review status: criteria provided, single submitter. Criteria: GeneDx Variant Classification Process June 2021. Collection method: clinical testing. Allele origin: germline. Affected: yes.
Comment: In silico analysis supports that this missense variant has a deleterious effect on protein structure/function; Has not been previously published as pathogenic or benign to our knowledge

Labcorp Genetics (formerly Invitae), Labcorp
Classification: Uncertain significance. Last evaluated: 2022-09-27. Review status: criteria provided, single submitter. Criteria: Invitae Variant Classification Sherloc (09022015). Collection method: clinical testing. Allele origin: germline.
Comment: This sequence change replaces arginine, which is basic and polar, with tryptophan, which is neutral and slightly polar, at codon 774 of the TUBGCP6 protein (p.Arg774Trp). This variant is present in population databases (rs144692967, gnomAD 0.1%). This variant has not been reported in the literature in individuals affected with TUBGCP6-related conditions. ClinVar contains an entry for this variant (Variation ID: 813664). Algorithms developed to predict the effect of missense changes on protein structure and function are either unavailable or do not agree on the potential impact of this missense change (SIFT: "Deleterious"; PolyPhen-2: "Probably Damaging"; Align-GVGD: "Class C0"). In summary, the available evidence is currently insufficient to determine the role of this variant in disease. Therefore, it has been classified as a Variant of Uncertain Significance.

Department of Pediatrics, Samsung Medical Center, Samsung Medical Center
Classification: Uncertain significance for Microcephaly. Review status: no assertion criteria provided. Criteria: ACMG Guidelines, 2015. Collection method: research. Allele origin: germline. Affected: yes. Not counted in ClinVar's aggregate classification.

NM_020461.4(TUBGCP6):c.2320C>T (p.Arg774Trp)

Gene: TUBGCP6 (tubulin gamma complex component 6; minus strand). Cytogenetic location: 22q13.33.
Variant type: single nucleotide variant.
Coding change: c.2320C>T on transcript NM_020461.4 (MANE Select); coding-DNA position 2320, C replaced by T.
Protein change: p.Arg774Trp; replaces arginine 774 with tryptophan.
Molecular consequence: missense variant.
Genome position (GRCh38, 1-based): chr22:50,222,543, G>A on the plus strand (C>T on the coding strand, the complement: TUBGCP6 is on the minus strand). VCF-style: chr22-50222543-G-A. GRCh37 (hg19) VCF-style: chr22-50660972-G-A.
Other names: short protein forms R774W.
Identifiers: ClinVar variation 813664 (VCV000813664.4), dbSNP rs144692967, ClinGen allele CA10308264.